The following is an entry in ClinVar:

NM_005609.4(PYGM):c.999+20C>T

Gene: PYGM (glycogen phosphorylase, muscle associated; minus strand). Cytogenetic location: 11q13.1.
Variant type: single nucleotide variant.
Coding change: c.999+20C>T on transcript NM_005609.4 (MANE Select); 20 bases into the intron after coding-DNA position 999, C replaced by T.
Molecular consequence: intron variant.
Genome position (GRCh38, 1-based): chr11:64,754,673, G>A on the plus strand (C>T on the coding strand, the complement: PYGM is on the minus strand). VCF-style: chr11-64754673-G-A. GRCh37 (hg19) VCF-style: chr11-64522145-G-A.
Other names: c.735+20C>T (NM_001164716.1); c.999+20C>T (NM_005609.3).
Identifiers: ClinVar variation 95301 (VCV000095301.18), dbSNP rs201711087, ClinGen allele CA222892.

ClinVar aggregate classification (germline): Conflicting classifications of pathogenicity. Review status: criteria provided, conflicting classifications (1 of 4 stars). 6 submissions from 6 submitters: Uncertain significance (2); Benign (1); Likely benign (3). Last evaluated 2026-01-26.

Conditions:
PYGM-related disorder. Also called: PYGM-related condition.
Glycogen storage disease, type V (GSD5). Also called: MYOPHOSPHORYLASE DEFICIENCY; MCARDLE DISEASE; MUSCLE GLYCOGEN PHOSPHORYLASE DEFICIENCY; PYGM DEFICIENCY; McArdle type glycogen storage disease. Identifiers: Orphanet 368, MedGen C0017924, MONDO:0009293, OMIM 232600.

Allele frequency attached by ClinVar (database versions not stated): 1000 Genomes Project 30x 0.00016; 1000 Genomes Project 0.00020; TOPMed 0.00095; gnomAD 0.00102 and 0.00106; gnomAD exomes 0.00109 and 0.00177; ExAC 0.00112; ESP Exome Variant Server 0.00146.
gnomAD v4.1: 2,694 of 1,612,092 alleles (0.17%); highest among the groups gnomAD compares: Non-Finnish European, 0.21%; 1 homozygote.

Submissions (6):

Labcorp Genetics (formerly Invitae), Labcorp
Classification: Benign for Glycogen storage disease, type V. Last evaluated: 2026-01-26. Review status: criteria provided, single submitter. Criteria: Invitae Variant Classification Sherloc (09022015). Collection method: clinical testing. Allele origin: germline.

PreventionGenetics, part of Exact Sciences
Classification: Likely benign for PYGM-related condition. Last evaluated: 2024-11-08. Review status: criteria provided, single submitter. Criteria: ACMG Guidelines, 2015. Collection method: clinical testing. Allele origin: germline.
Comment: This variant is classified as likely benign based on ACMG/AMP sequence variant interpretation guidelines (Richards et al. 2015 PMID: 25741868, with internal and published modifications).

Blueprint Genetics
Classification: Likely benign. Last evaluated: 2024-10-30. Review status: criteria provided, single submitter. Criteria: ACMG Guidelines, 2015. Collection method: clinical testing. Allele origin: germline.

Eurofins Ntd Llc (ga)
Classification: Uncertain significance. Last evaluated: 2017-11-28. Review status: criteria provided, single submitter. Criteria: EGL Classification Definitions 2015. Collection method: clinical testing. Allele origin: germline. Observed: 3 variant alleles, 3 heterozygotes.

GeneDx
Classification: Likely benign. Last evaluated: 2017-11-01. Review status: criteria provided, single submitter. Criteria: GeneDx Variant Classification (06012015). Collection method: clinical testing. Allele origin: germline. Affected: yes.
Comment: This variant is considered likely benign or benign based on one or more of the following criteria: it is a conservative change, it occurs at a poorly conserved position in the protein, it is predicted to be benign by multiple in silico algorithms, and/or has population frequency not consistent with disease.

Genomic Diagnostic Laboratory, Division of Genomic Diagnostics, Children's Hospital of Philadelphia
Classification: Uncertain significance. Last evaluated: 2015-09-18. Review status: criteria provided, single submitter. Criteria: DGD Variant Analysis Guidelines. Collection method: clinical testing. Allele origin: unknown.